The following is an entry in ClinVar:

ClinVar aggregate classification (germline): Benign. Review status: criteria provided, single submitter (1 of 4 stars). 3 submissions from 3 submitters: Benign (1). 2 of the submissions do not count toward it. Last evaluated 2019-01-10.

Conditions:
Inflammatory bowel disease 1 (IBD1). Also called: Inflammatory bowel disease 1, Crohn disease; INFLAMMATORY BOWEL DISEASE (CROHN DISEASE) 1. Identifiers: MedGen CN260071, MONDO:0009960, OMIM 266600.
HSPA1L-related disorder. Also called: HSPA1L-related condition.

Allele frequency attached by ClinVar (database versions not stated): gnomAD exomes 0.02824 and 0.03180; ExAC 0.03456; gnomAD 0.04175 and 0.04242; TOPMed 0.04364; ESP Exome Variant Server 0.04483; 1000 Genomes Project 30x 0.04778; 1000 Genomes Project 0.04832.
gnomAD v4.1: 46,203 of 1,558,830 alleles (3%); highest among the groups gnomAD compares: African/African-American, 8.4%; 927 homozygotes.

Submissions (3):

GeneDx
Classification: Benign. Last evaluated: 2019-01-10. Review status: criteria provided, single submitter. Criteria: GeneDx Variant Classification Process June 2021. Collection method: clinical testing. Allele origin: germline. Affected: yes.
Comment: This variant is associated with the following publications: (PMID: 28126021)

PreventionGenetics, part of Exact Sciences
Classification: Benign for HSPA1L-related condition. Last evaluated: 2019-12-23. Review status: no assertion criteria provided. Collection method: clinical testing. Allele origin: germline. Not counted in ClinVar's aggregate classification.
Comment: This variant is classified as benign based on ACMG/AMP sequence variant interpretation guidelines (Richards et al. 2015 PMID: 25741868, with internal and published modifications).

Human Development and Health, University of Southampton
Classification: association for Inflammatory bowel disease 1. Last evaluated: 2016-08-06. Review status: no assertion criteria provided. Collection method: research. Allele origin: inherited. Affected: yes. Study: Southampton Paediatric IBD Study. Not counted in ClinVar's aggregate classification.
Comment: HSPA1L loss of function - Our results indicate that de novo and rare mutations in HSPA1L are associated with IBD and provide insights into the pathogenesis of IBD

Literature cited by the submitters: PubMed 28126021 (cited by Human Development and Health, University of Southampton).

NM_005527.4(HSPA1L):c.1673A>C (p.Glu558Ala)

Gene: HSPA1L (heat shock protein family A (Hsp70) member 1 like; minus strand). Cytogenetic location: 6p21.33.
Variant type: single nucleotide variant.
Coding change: c.1673A>C on transcript NM_005527.4 (MANE Select); coding-DNA position 1673, A replaced by C.
Protein change: p.Glu558Ala; replaces glutamic acid 558 with alanine.
Molecular consequence: missense variant.
Genome position (GRCh38, 1-based): chr6:31,810,300, T>G on the plus strand (A>C on the coding strand, the complement: HSPA1L is on the minus strand). VCF-style: chr6-31810300-T-G. GRCh37 (hg19) VCF-style: chr6-31778077-T-G.
Other names: short protein forms E558A.
Identifiers: ClinVar variation 372131 (VCV000372131.7), dbSNP rs2227955, ClinGen allele CA3723860.